The following is an entry in ClinVar:

ClinVar aggregate classification (germline): Conflicting classifications of pathogenicity. Review status: criteria provided, conflicting classifications (1 of 4 stars). 3 submissions from 3 submitters: Uncertain significance (1); Likely benign (1). 1 of the submissions does not count toward it. Last evaluated 2025-12-22.

Conditions:
HYOU1-related disorder. Also called: HYOU1-related condition.

Allele frequency attached by ClinVar (database versions not stated): gnomAD 0.00003 and 0.00004; gnomAD exomes 0.00006; TOPMed 0.00012.
gnomAD v4.1: 88 of 1,614,068 alleles (0.0055%); highest among the groups gnomAD compares: Admixed American, 0.12%; no homozygotes.

Submissions (3):

Labcorp Genetics (formerly Invitae), Labcorp
Classification: Likely benign. Last evaluated: 2025-12-22. Review status: criteria provided, single submitter. Criteria: Invitae Variant Classification Sherloc (09022015). Collection method: clinical testing. Allele origin: germline.

Ambry Genetics
Classification: Uncertain significance. Last evaluated: 2024-11-09. Review status: criteria provided, single submitter. Criteria: Ambry Variant Classification Scheme 2023. Collection method: clinical testing. Allele origin: germline.

PreventionGenetics, part of Exact Sciences
Classification: Likely benign for HYOU1-related condition. Last evaluated: 2022-04-01. Review status: no assertion criteria provided. Collection method: clinical testing. Allele origin: germline. Not counted in ClinVar's aggregate classification.
Comment: This variant is classified as likely benign based on ACMG/AMP sequence variant interpretation guidelines (Richards et al. 2015 PMID: 25741868, with internal and published modifications).

NM_006389.5(HYOU1):c.2461C>T (p.Arg821Trp)

Gene: HYOU1 (hypoxia up-regulated 1; minus strand). Cytogenetic location: 11q23.3.
Variant type: single nucleotide variant.
Coding change: c.2461C>T on transcript NM_006389.5 (MANE Select); coding-DNA position 2461, C replaced by T.
Protein change: p.Arg821Trp; replaces arginine 821 with tryptophan.
Molecular consequence: missense variant.
Genome position (GRCh38, 1-based): chr11:119,047,996, G>A on the plus strand (C>T on the coding strand, the complement: HYOU1 is on the minus strand). VCF-style: chr11-119047996-G-A. GRCh37 (hg19) VCF-style: chr11-118918708-G-A.
Other names: c.2461C>T, p.Arg821Trp (NM_001130991.3); c.2461C>T (NM_006389.4, NM_006389.3); short protein forms R821W.
Identifiers: ClinVar variation 1653357 (VCV001653357.11), dbSNP rs782514180, ClinGen allele CA229618199.